The following is an entry in ClinVar:

NM_002519.3(NPAT):c.4048A>T (p.Thr1350Ser)

Gene: NPAT (nuclear protein, coactivator of histone transcription; minus strand). Cytogenetic location: 11q22.3.
Variant type: single nucleotide variant.
Coding change: c.4048A>T on transcript NM_002519.3 (MANE Select); coding-DNA position 4048, A replaced by T.
Protein change: p.Thr1350Ser; replaces threonine 1350 with serine.
Molecular consequence: missense variant.
Genome position (GRCh38, 1-based): chr11:108,161,038, T>A on the plus strand (A>T on the coding strand, the complement: NPAT is on the minus strand). VCF-style: chr11-108161038-T-A. GRCh37 (hg19) VCF-style: chr11-108031765-T-A.
Other names: c.4069A>T, p.Thr1357Ser (NM_001321307.1); short protein forms T1350S, T1357S.
Identifiers: ClinVar variation 1737330 (VCV001737330.2), dbSNP rs754964526, ClinGen allele CA6263485.

ClinVar aggregate classification (germline): Uncertain significance (1 of 4 stars; one submission).

Allele frequency attached by ClinVar (database versions not stated): ExAC 0.00001.
gnomAD v4.1: 4 of 1,614,046 alleles (0.00025%); highest among the groups gnomAD compares: East Asian, 0.0022%; no homozygotes.

Submission:

Ambry Genetics
Classification: Uncertain significance. Last evaluated: 2021-09-06. Review status: criteria provided, single submitter. Criteria: Ambry Variant Classification Scheme 2023. Collection method: clinical testing. Allele origin: germline.
Comment: The p.T1350S variant (also known as c.4048A>T), located in coding exon 17 of the NPAT gene, results from an A to T substitution at nucleotide position 4048. The threonine at codon 1350 is replaced by serine, an amino acid with similar properties. This amino acid position is conserved. In addition, this alteration is predicted to be tolerated by in silico analysis. Since supporting evidence is limited at this time, the clinical significance of this alteration remains unclear.